The following is an entry in ClinVar:

ClinVar aggregate classification (germline): Uncertain significance (1 of 4 stars; one submission).

Submission:

GeneDx
Classification: Uncertain significance. Last evaluated: 2024-06-11. Review status: criteria provided, single submitter. Criteria: GeneDx Variant Classification Process June 2021. Collection method: clinical testing. Allele origin: germline. Affected: yes.
Comment: Not observed at significant frequency in large population cohorts (gnomAD); In silico analysis supports that this missense variant has a deleterious effect on protein structure/function; Has not been previously published as pathogenic or benign to our knowledge

NM_004859.4(CLTC):c.1379C>T (p.Ser460Phe)

Gene: CLTC (clathrin heavy chain; plus strand). Cytogenetic location: 17q23.1.
Variant type: single nucleotide variant.
Coding change: c.1379C>T on transcript NM_004859.4 (MANE Select); coding-DNA position 1379, C replaced by T.
Protein change: p.Ser460Phe; replaces serine 460 with phenylalanine.
Molecular consequence: missense variant.
Genome position (GRCh38, 1-based): chr17:59,663,852, C>T. VCF-style: chr17-59663852-C-T. GRCh37 (hg19) VCF-style: chr17-57741213-C-T.
Other names: c.1391C>T, p.Ser464Phe (NM_001288653.2); short protein forms S460F, S464F.
Identifiers: ClinVar variation 3390648 (VCV003390648.1).